The following is an entry in ClinVar:

NM_004369.4(COL6A3):c.3779A>G (p.Asp1260Gly)

Gene: COL6A3 (collagen type VI alpha 3 chain; minus strand). Cytogenetic location: 2q37.3.
Variant type: single nucleotide variant.
Coding change: c.3779A>G on transcript NM_004369.4 (MANE Select); coding-DNA position 3779, A replaced by G.
Protein change: p.Asp1260Gly; replaces aspartic acid 1260 with glycine.
Molecular consequence: missense variant.
Genome position (GRCh38, 1-based): chr2:237,372,238, T>C on the plus strand (A>G on the coding strand, the complement: COL6A3 is on the minus strand). VCF-style: chr2-237372238-T-C. GRCh37 (hg19) VCF-style: chr2-238280881-T-C.
Other names: c.2558A>G, p.Asp853Gly (NM_057164.5); c.3161A>G, p.Asp1054Gly (NM_057165.5, NM_057167.4); c.1958A>G, p.Asp653Gly (NM_057166.5); short protein forms D1260G, D853G, D1054G, D653G.
Identifiers: ClinVar variation 834769 (VCV000834769.10), dbSNP rs773456951, ClinGen allele CA2189076.
Genomic context (GRCh38, chr2:237,372,238, plus strand): 5'-GGGTCATCGCTGAACTGGATGACAGCCACCCGGGTGGTGTCAAAGCCCACGTCCAGGTAG[T>C]CAACCAGCCTCTCTATGAGGGTGCGAACGTACTGGAACTCAGGCCCGGCACTTTGGGACC-3'
Protein context (NP_004360.2, residues 1250-1270): YVRTLIERLV[Asp1260Gly]YLDVGFDTTR

ClinVar aggregate classification (germline): Uncertain significance (1 of 4 stars; one submission).

Conditions:
Bethlem myopathy 1A. Also called: MYOPATHY, BENIGN CONGENITAL, WITH CONTRACTURES; Bethlem Muscular Dystrophy; Bethlem myopathy 1. Identifiers: Orphanet 610, MedGen CN029274, MONDO:0024530, OMIM 158810.

Allele frequency attached by ClinVar (database versions not stated): ExAC 0.00001; gnomAD exomes 0.00001; TOPMed below 0.00001.
gnomAD v4.1: 7 of 1,614,008 alleles (0.00043%); highest among the groups gnomAD compares: Non-Finnish European, 0.00059%; no homozygotes.

Submission:

Labcorp Genetics (formerly Invitae), Labcorp
Classification: Uncertain significance for Bethlem myopathy 1A. Last evaluated: 2019-12-19. Review status: criteria provided, single submitter. Criteria: Invitae Variant Classification Sherloc (09022015). Collection method: clinical testing. Allele origin: germline.
Comment: In summary, the available evidence is currently insufficient to determine the role of this variant in disease. Therefore, it has been classified as a Variant of Uncertain Significance. Algorithms developed to predict the effect of missense changes on protein structure and function output the following: SIFT: "Tolerated"; PolyPhen-2: "Benign"; Align-GVGD: "Class C0". The glycine amino acid residue is found in multiple mammalian species, suggesting that this missense change does not adversely affect protein function. These predictions have not been confirmed by published functional studies and their clinical significance is uncertain. This variant has not been reported in the literature in individuals with COL6A3-related conditions. This variant is present in population databases (rs773456951, ExAC 0.002%). This sequence change replaces aspartic acid with glycine at codon 1260 of the COL6A3 protein (p.Asp1260Gly). The aspartic acid residue is weakly conserved and there is a moderate physicochemical difference between aspartic acid and glycine.